The following is an entry in ClinVar:

ClinVar aggregate classification (germline): Uncertain significance (1 of 4 stars; one submission).

Submission:

Labcorp Genetics (formerly Invitae), Labcorp
Classification: Uncertain significance. Last evaluated: 2021-11-27. Review status: criteria provided, single submitter. Criteria: Invitae Variant Classification Sherloc (09022015). Collection method: clinical testing. Allele origin: germline.
Comment: Algorithms developed to predict the effect of sequence changes on RNA splicing suggest that this variant may disrupt the consensus splice site. In summary, the available evidence is currently insufficient to determine the role of this variant in disease. Therefore, it has been classified as a Variant of Uncertain Significance. This variant has not been reported in the literature in individuals affected with MCM3AP-related conditions. This variant is not present in population databases (gnomAD no frequency). This sequence change falls in intron 24 of the MCM3AP gene. It does not directly change the encoded amino acid sequence of the MCM3AP protein.

NM_003906.5(MCM3AP):c.5297-5C>G

Genes: MCM3AP (minichromosome maintenance complex component 3 associated protein; minus strand), MCM3AP-AS1 (MCM3AP antisense RNA 1; plus strand). Cytogenetic location: 21q22.3.
Variant type: single nucleotide variant.
Coding change: c.5297-5C>G on transcript NM_003906.5 (MANE Select); 5 bases into the intron before coding-DNA position 5297, C replaced by G.
Molecular consequence: intron variant. On other transcripts: non-coding transcript variant (2).
Genome position (GRCh38, 1-based): chr21:46,242,936, G>C on the plus strand (C>G on the coding strand, the complement: MCM3AP is on the minus strand). VCF-style: chr21-46242936-G-C. GRCh37 (hg19) VCF-style: chr21-47662850-G-C.
Identifiers: ClinVar variation 1353826 (VCV001353826.6), dbSNP rs2080694244, ClinGen allele CA2573157516.